The following is an entry in ClinVar:

ClinVar aggregate classification (germline): Uncertain significance (1 of 4 stars; one submission).

Conditions:
Pheochromocytoma/paraganglioma syndrome 4. Also called: SDHB-Related Hereditary Paraganglioma-Pheochromocytoma Syndrome (Paragangliomas 4); SDHB-Related Hereditary Paraganglioma-Pheochromocytoma Syndrome; CAROTID BODY TUMORS AND MULTIPLE EXTRAADRENAL PHEOCHROMOCYTOMAS; PARAGANGLIOMA, FAMILIAL MALIGNANT; PARAGANGLIOMAS, HEREDITARY EXTRAADRENAL; PHEOCHROMOCYTOMA, FAMILIAL EXTRAADRENAL. Identifiers: Orphanet 29072, MedGen C1861848, MONDO:0007273, OMIM 115310.
Pheochromocytoma. Also called: MAX-Related Hereditary Paraganglioma-Pheochromocytoma Syndrome. Identifiers: Orphanet 29072, MedGen C0031511, MONDO:0008233, OMIM 171300, HP:0002666.
Gastrointestinal stromal tumor. Also called: Gastrointestinal stromal tumor, somatic; Gastrointestinal stroma tumor. Identifiers: Orphanet 44890, MedGen C0238198, MeSH D046152, MONDO:0011719, OMIM 606764, HP:0100723.

Submission:

Labcorp Genetics (formerly Invitae), Labcorp
Classification: Uncertain significance for Gastrointestinal stromal tumor; Pheochromocytoma/paraganglioma syndrome 4; Pheochromocytoma. Last evaluated: 2023-06-24. Review status: criteria provided, single submitter. Criteria: Invitae Variant Classification Sherloc (09022015). Collection method: clinical testing. Allele origin: germline.
Comment: Advanced modeling of protein sequence and biophysical properties (such as structural, functional, and spatial information, amino acid conservation, physicochemical variation, residue mobility, and thermodynamic stability) performed at Invitae indicates that this missense variant is not expected to disrupt SDHB protein function. ClinVar contains an entry for this variant (Variation ID: 663466). This variant has not been reported in the literature in individuals affected with SDHB-related conditions. This variant is not present in population databases (gnomAD no frequency). This sequence change replaces threonine, which is neutral and polar, with isoleucine, which is neutral and non-polar, at codon 16 of the SDHB protein (p.Thr16Ile). In summary, the available evidence is currently insufficient to determine the role of this variant in disease. Therefore, it has been classified as a Variant of Uncertain Significance.

NM_003000.3(SDHB):c.47C>T (p.Thr16Ile)

Gene: SDHB (succinate dehydrogenase complex iron sulfur subunit B; minus strand). Cytogenetic location: 1p36.13.
Variant type: single nucleotide variant.
Coding change: c.47C>T on transcript NM_003000.3 (MANE Select); coding-DNA position 47, C replaced by T.
Protein change: p.Thr16Ile; replaces threonine 16 with isoleucine.
Molecular consequence: missense variant.
Genome position (GRCh38, 1-based): chr1:17,053,973, G>A on the plus strand (C>T on the coding strand, the complement: SDHB is on the minus strand). VCF-style: chr1-17053973-G-A. GRCh37 (hg19) VCF-style: chr1-17380468-G-A.
Other names: short protein forms T16I.
Identifiers: ClinVar variation 663466 (VCV000663466.6), dbSNP rs775350144, ClinGen allele CA338230700.